The following is an entry in ClinVar:

NM_002691.4(POLD1):c.2900T>C (p.Leu967Pro)

Gene: POLD1 (DNA polymerase delta 1, catalytic subunit; plus strand). Cytogenetic location: 19q13.33.
Variant type: single nucleotide variant.
Coding change: c.2900T>C on transcript NM_002691.4 (MANE Select); coding-DNA position 2900, T replaced by C.
Protein change: p.Leu967Pro; replaces leucine 967 with proline.
Molecular consequence: missense variant. On other transcripts: non-coding transcript variant (1).
Genome position (GRCh38, 1-based): chr19:50,416,475, T>C. VCF-style: chr19-50416475-T-C. GRCh37 (hg19) VCF-style: chr19-50919732-T-C.
Other names: c.2900T>C, p.Leu967Pro (NM_001256849.1); c.2978T>C, p.Leu993Pro (NM_001308632.1); c.2900T>C (NM_002691.2); short protein forms L967P, L993P.
Identifiers: ClinVar variation 583010 (VCV000583010.9), dbSNP rs367920933, ClinGen allele CA406986498.

ClinVar aggregate classification (germline): Uncertain significance. Review status: criteria provided, multiple submitters, no conflicts (2 of 4 stars). 2 submissions from 2 submitters: Uncertain significance (2). Last evaluated 2025-07-02.

Conditions:
Hereditary cancer-predisposing syndrome. Also called: Tumor predisposition; Neoplastic Syndromes, Hereditary; Hereditary Cancer Syndrome; Hereditary neoplastic syndrome. Identifiers: Orphanet 140162, MedGen C0027672, MeSH D009386, MONDO:0015356.
POLD1-related polyposis and colorectal cancer syndrome (CRCS10). Also called: Colorectal cancer 10; COLORECTAL CANCER, SUSCEPTIBILITY TO, ON CHROMOSOME 19q; Colorectal cancer, susceptibility to, 10. Identifiers: Orphanet 220460, MedGen C2675481, MONDO:0012953, OMIM 612591.

Allele frequency attached by ClinVar (database versions not stated): TOPMed below 0.00001; gnomAD 0.00001; gnomAD exomes 0.00001.

Submissions (2):

Labcorp Genetics (formerly Invitae), Labcorp
Classification: Uncertain significance for POLD1-related polyposis and colorectal cancer syndrome. Last evaluated: 2025-07-02. Review status: criteria provided, single submitter. Criteria: Invitae Variant Classification Sherloc (09022015). Collection method: clinical testing. Allele origin: germline.
Comment: This sequence change replaces leucine, which is neutral and non-polar, with proline, which is neutral and non-polar, at codon 967 of the POLD1 protein (p.Leu967Pro). The frequency data for this variant in the population databases is considered unreliable, as metrics indicate poor data quality at this position in the gnomAD database. This variant has not been reported in the literature in individuals affected with POLD1-related conditions. ClinVar contains an entry for this variant (Variation ID: 583010). Invitae Evidence Modeling of protein sequence and biophysical properties (such as structural, functional, and spatial information, amino acid conservation, physicochemical variation, residue mobility, and thermodynamic stability) indicates that this missense variant is expected to disrupt POLD1 protein function with a positive predictive value of 80%. In summary, the available evidence is currently insufficient to determine the role of this variant in disease. Therefore, it has been classified as a Variant of Uncertain Significance.

Ambry Genetics
Classification: Uncertain significance for Hereditary cancer-predisposing syndrome. Last evaluated: 2024-05-20. Review status: criteria provided, single submitter. Criteria: Ambry Variant Classification Scheme 2023. Collection method: clinical testing. Allele origin: germline.
Comment: The p.L967P variant (also known as c.2900T>C), located in coding exon 22 of the POLD1 gene, results from a T to C substitution at nucleotide position 2900. The leucine at codon 967 is replaced by proline, an amino acid with similar properties. This amino acid position is conserved. In addition, the in silico prediction for this alteration is inconclusive. Based on the available evidence, the clinical significance of this variant remains unclear.